The following is an entry in ClinVar:

NM_001271.4(CHD2):c.3378C>A (p.Asp1126Glu)

Gene: CHD2 (chromodomain helicase DNA binding protein 2; plus strand). Cytogenetic location: 15q26.1.
Variant type: single nucleotide variant.
Coding change: c.3378C>A on transcript NM_001271.4 (MANE Select); coding-DNA position 3378, C replaced by A.
Protein change: p.Asp1126Glu; replaces aspartic acid 1126 with glutamic acid.
Molecular consequence: missense variant.
Genome position (GRCh38, 1-based): chr15:92,985,638, C>A. VCF-style: chr15-92985638-C-A. GRCh37 (hg19) VCF-style: chr15-93528868-C-A.
Other names: short protein forms D1126E.
Identifiers: ClinVar variation 2198508 (VCV002198508.4), dbSNP rs1422563345, ClinGen allele CA393895789.

ClinVar aggregate classification (germline): Uncertain significance (1 of 4 stars; one submission).

Conditions:
Developmental and epileptic encephalopathy 94 (DEE94). Also called: CHD2-Related Neurodevelopmental Disorders; Epileptic encephalopathy, childhood-onset. Identifiers: Orphanet 1942, Orphanet 2382, MedGen C3809278, MONDO:0014150, OMIM 615369.

Allele frequency attached by ClinVar (database versions not stated): gnomAD exomes below 0.00001; TOPMed below 0.00001; gnomAD 0.00001.

Submission:

Labcorp Genetics (formerly Invitae), Labcorp
Classification: Uncertain significance for Developmental and epileptic encephalopathy 94. Last evaluated: 2022-08-19. Review status: criteria provided, single submitter. Criteria: Invitae Variant Classification Sherloc (09022015). Collection method: clinical testing. Allele origin: germline.
Comment: In summary, the available evidence is currently insufficient to determine the role of this variant in disease. Therefore, it has been classified as a Variant of Uncertain Significance. Advanced modeling of protein sequence and biophysical properties (such as structural, functional, and spatial information, amino acid conservation, physicochemical variation, residue mobility, and thermodynamic stability) performed at Invitae indicates that this missense variant is not expected to disrupt CHD2 protein function. This variant has not been reported in the literature in individuals affected with CHD2-related conditions. The frequency data for this variant in the population databases is considered unreliable, as metrics indicate poor data quality at this position in the gnomAD database. This sequence change replaces aspartic acid, which is acidic and polar, with glutamic acid, which is acidic and polar, at codon 1126 of the CHD2 protein (p.Asp1126Glu).